The following is an entry in ClinVar:

NM_001379110.1(SLC9A6):c.1957C>T (p.Arg653Ter)

Gene: SLC9A6 (solute carrier family 9 member A6; plus strand). Cytogenetic location: Xq26.3.
Variant type: single nucleotide variant.
Coding change: c.1957C>T on transcript NM_001379110.1 (MANE Select); coding-DNA position 1957, C replaced by T.
Protein change: p.Arg653Ter; replaces arginine 653 with a stop codon.
Molecular consequence: nonsense.
Genome position (GRCh38, 1-based): chrX:136,044,641, C>T. VCF-style: chrX-136044641-C-T. GRCh37 (hg19) VCF-style: chrX-135126800-C-T.
Other names: c.1771C>T, p.Arg591Ter (NM_001400913.1, NM_001330652.2); c.2113C>T, p.Arg705Ter (NM_001438742.1); c.1927C>T, p.Arg643Ter (NM_006359.3); c.2023C>T, p.Arg675Ter (NM_001042537.2); c.1867C>T, p.Arg623Ter (NM_001177651.2, NM_001400909.1, NM_001400910.1 and 2 more transcripts); short protein forms R591*, R653*, R643*, R675*, R705*, R623*.
Identifiers: ClinVar variation 5007505 (VCV005007505.2).
Genomic context (GRCh38, chrX:136,044,641, plus strand): 5'-AACAGTTCTGAAGATGCCTTGGATCGGGAGCTTGCATTTGGGGACCATGAACTGGTCATT[C>T]GAGGAACACGCCTGGTTCTTCCAATGGATGATTCTGAACCCCCGCTAAATTTGTTAGATA-3'

ClinVar aggregate classification (germline): Uncertain significance (1 of 4 stars; one submission).

Conditions:
Christianson syndrome (MRXSCH). Also called: X-linked mental retardation, syndromic, Christianson type; INTELLECTUAL DEVELOPMENTAL DISORDER, X-LINKED, SYNDROMIC, CHRISTIANSON TYPE; SLC9A6-Related Syndromic Mental Retardation. Identifiers: Orphanet 85278, MedGen C2678194, MONDO:0010278, OMIM 300243.

gnomAD v4.1: 1 of 1,208,833 alleles (0.000083%); highest among the groups gnomAD compares: Non-Finnish European, 0.00011%; no homozygotes.

Submission:

Juno Genomics, Hangzhou Juno Genomics, Inc
Classification: Uncertain significance for Christianson syndrome. Review status: criteria provided, single submitter. Criteria: ACMG Guidelines, 2015. Collection method: clinical testing. Allele origin: germline.
Comment: Null variant in a gene where loss of function (LOF) is a known mechanism of disease.;Absent from controls (or at extremely low frequency if recessive) in Genome Aggregation Database.